The following is an entry in ClinVar:

ClinVar aggregate classification (germline): Uncertain significance. Review status: criteria provided, multiple submitters, no conflicts (2 of 4 stars). 2 submissions from 2 submitters: Uncertain significance (2). Last evaluated 2025-08-27.

Allele frequency attached by ClinVar (database versions not stated): gnomAD 0.00003; ExAC 0.00006.
gnomAD v4.1: 52 of 1,613,936 alleles (0.0032%); highest among the groups gnomAD compares: Non-Finnish European, 0.0043%; no homozygotes.

Submissions (2):

Ambry Genetics
Classification: Uncertain significance. Last evaluated: 2025-08-27. Review status: criteria provided, single submitter. Criteria: Ambry Variant Classification Scheme 2023. Collection method: clinical testing. Allele origin: germline.

Labcorp Genetics (formerly Invitae), Labcorp
Classification: Uncertain significance. Last evaluated: 2025-05-27. Review status: criteria provided, single submitter. Criteria: Invitae Variant Classification Sherloc (09022015). Collection method: clinical testing. Allele origin: germline.
Comment: This sequence change replaces serine, which is neutral and polar, with threonine, which is neutral and polar, at codon 131 of the IRF9 protein (p.Ser131Thr). This variant is present in population databases (rs374217831, gnomAD 0.009%). This variant has not been reported in the literature in individuals affected with IRF9-related conditions. ClinVar contains an entry for this variant (Variation ID: 2981239). An algorithm developed to predict the effect of missense changes on protein structure and function (PolyPhen-2) suggests that this variant is likely to be tolerated. In summary, the available evidence is currently insufficient to determine the role of this variant in disease. Therefore, it has been classified as a Variant of Uncertain Significance.

NM_006084.5(IRF9):c.391T>A (p.Ser131Thr)

Gene: IRF9 (interferon regulatory factor 9; plus strand). Cytogenetic location: 14q12.
Variant type: single nucleotide variant.
Coding change: c.391T>A on transcript NM_006084.5 (MANE Select); coding-DNA position 391, T replaced by A.
Protein change: p.Ser131Thr; replaces serine 131 with threonine.
Molecular consequence: missense variant.
Genome position (GRCh38, 1-based): chr14:24,163,404, T>A. VCF-style: chr14-24163404-T-A. GRCh37 (hg19) VCF-style: chr14-24632613-T-A.
Other names: c.391T>A, p.Ser131Thr (NM_001385400.1, NM_001385401.1, NM_001385402.1); c.391T>A (NM_006084.4); short protein forms S131T.
Identifiers: ClinVar variation 2981239 (VCV002981239.4), dbSNP rs374217831, ClinGen allele CA7126432.
Genomic context (GRCh38, chr14:24,163,404, plus strand): 5'-CCTGACCTTTCTCTGTCCCTCAACAATTCCACAGGCCAGCCAGGGACTCAGAAAGTACCA[T>A]CAAAGCGACAGCACAGTTCTGTGTCCTCTGAGAGGAAGGAGGAAGAGGATGCCATGCAGA-3'
Protein context (NP_006075.3, residues 121-141): SGQPGTQKVP[Ser131Thr]KRQHSSVSSE